The following is an entry in ClinVar:

NM_177924.5(ASAH1):c.551C>A (p.Pro184His)

Gene: ASAH1 (N-acylsphingosine amidohydrolase 1; minus strand). Cytogenetic location: 8p22.
Variant type: single nucleotide variant.
Coding change: c.551C>A on transcript NM_177924.5 (MANE Select); coding-DNA position 551, C replaced by A.
Protein change: p.Pro184His; replaces proline 184 with histidine.
Molecular consequence: missense variant.
Genome position (GRCh38, 1-based): chr8:18,062,376, G>T on the plus strand (C>A on the coding strand, the complement: ASAH1 is on the minus strand). VCF-style: chr8-18062376-G-T. GRCh37 (hg19) VCF-style: chr8-17919885-G-T.
Other names: c.533C>A, p.Pro178His (NM_001127505.3); c.356C>A, p.Pro119His (NM_001363743.2); c.599C>A, p.Pro200His (NM_004315.6); short protein forms P119H, P184H, P178H, P200H.
Identifiers: ClinVar variation 1367718 (VCV001367718.8), dbSNP rs540913734, ClinGen allele CA173142192.

ClinVar aggregate classification (germline): Uncertain significance (1 of 4 stars; one submission).

gnomAD v4.1: 1 of 1,614,104 alleles (0.000062%); no homozygotes.

Submission:

Labcorp Genetics (formerly Invitae), Labcorp
Classification: Uncertain significance. Last evaluated: 2022-06-20. Review status: criteria provided, single submitter. Criteria: Invitae Variant Classification Sherloc (09022015). Collection method: clinical testing. Allele origin: germline.
Comment: Algorithms developed to predict the effect of missense changes on protein structure and function are either unavailable or do not agree on the potential impact of this missense change (SIFT: "Deleterious"; PolyPhen-2: "Probably Damaging"; Align-GVGD: "Class C0"). This sequence change replaces proline, which is neutral and non-polar, with histidine, which is basic and polar, at codon 184 of the ASAH1 protein (p.Pro184His). This variant is not present in population databases (gnomAD no frequency). This variant has not been reported in the literature in individuals affected with ASAH1-related conditions. In summary, the available evidence is currently insufficient to determine the role of this variant in disease. Therefore, it has been classified as a Variant of Uncertain Significance.